The following is an entry in ClinVar:

NM_000455.5(STK11):c.465-21_465del

Gene: STK11 (serine/threonine kinase 11; plus strand). Cytogenetic location: 19p13.3.
Variant type: Deletion.
Coding change: c.465-21_465del on transcript NM_000455.5 (MANE Select); 21 bases into the intron before coding-DNA position 465 through coding-DNA position 465, 22 bases deleted (ACGGGTGTGTGCTGCCCGCAGG).
Molecular consequence: splice acceptor variant.
Genome position (GRCh38, 1-based): chr19:1,220,352-1,220,373, ACGGGTGTGTGCTGCCCGCAGG deleted; deleting any 22 consecutive bases within chr19:1,220,348-1,220,373 gives the same sequence; the c. name uses the placement nearest the transcript's 3' end. VCF-style (leftmost placement, unchanged base first): chr19-1220347-CCAGGACGGGTGTGTGCTGCCCG-C. GRCh37 (hg19) VCF-style: chr19-1220346-CCAGGACGGGTGTGTGCTGCCCG-C.
Identifiers: ClinVar variation 1742191 (VCV001742191.2), dbSNP rs2512942351, ClinGen allele CA2580096055.

ClinVar aggregate classification (germline): Likely pathogenic (1 of 4 stars; one submission).

Conditions:
Hereditary cancer-predisposing syndrome. Also called: Hereditary Cancer Syndrome; Hereditary neoplastic syndrome; Neoplastic Syndromes, Hereditary; Tumor predisposition. Identifiers: Orphanet 140162, MedGen C0027672, MeSH D009386, MONDO:0015356.

Submission:

Ambry Genetics
Classification: Likely pathogenic for Hereditary cancer-predisposing syndrome. Last evaluated: 2020-01-02. Review status: criteria provided, single submitter. Criteria: Ambry Variant Classification Scheme 2023. Collection method: clinical testing. Allele origin: germline.
Comment: The c.465-21_465del22 variant results from a deletion of 22 nucleotides spanning the last 21 nucleotides of intron 3 into the first nucleotide of coding exon 4 in the STK11 gene and includes the canonical splice acceptor site. The canonical acceptor site is highly conserved in available vertebrate species. Using the BDGP, ESEfinder, and Human Splicing Finder (HSF) splice site prediction tools, this alteration is predicted to abolish the native splice acceptor site; however, an alternate splice acceptor site which would preserve the reading frame is predicted by two of the four splice site prediction tools and direct evidence is unavailable (Desmet FO et al. Nucleic Acids Res. 2009 May;37:e67). Alterations that disrupt the canonical splice site are expected to cause aberrant splicing, resulting in an abnormal protein or a transcript that is subject to nonsense-mediated mRNA decay. As such, this alteration is classified as likely pathogenic.